The following is an entry in ClinVar:

NM_014874.4(MFN2):c.1156C>T (p.Gln386Ter)

Gene: MFN2 (mitofusin 2; plus strand). Cytogenetic location: 1p36.22.
Variant type: single nucleotide variant.
Coding change: c.1156C>T on transcript NM_014874.4 (MANE Select); coding-DNA position 1156, C replaced by T.
Protein change: p.Gln386Ter; replaces glutamine 386 with a stop codon.
Molecular consequence: nonsense.
Genome position (GRCh38, 1-based): chr1:12,002,099, C>T. VCF-style: chr1-12002099-C-T. GRCh37 (hg19) VCF-style: chr1-12062156-C-T.
Other names: c.1156C>T, p.Gln386Ter (NM_001127660.2); short protein forms Q386*.
Identifiers: ClinVar variation 2086764 (VCV002086764.4), dbSNP rs2523061214, ClinGen allele CA338443414.

ClinVar aggregate classification (germline): Pathogenic (1 of 4 stars; one submission).

Conditions:
Charcot-Marie-Tooth disease type 2. Also called: Charcot-Marie-Tooth type 2. Identifiers: Orphanet 64746, MedGen C0270914, MONDO:0018993.

Submission:

Labcorp Genetics (formerly Invitae), Labcorp
Classification: Pathogenic for Charcot-Marie-Tooth disease type 2. Last evaluated: 2024-10-15. Review status: criteria provided, single submitter. Criteria: Invitae Variant Classification Sherloc (09022015). Collection method: clinical testing. Allele origin: germline.
Comment: This sequence change creates a premature translational stop signal (p.Gln386*) in the MFN2 gene. It is expected to result in an absent or disrupted protein product. Loss-of-function variants in MFN2 are known to be pathogenic (PMID: 16714318, 16835246, 21715711, 23781337, 26955893). This variant is not present in population databases (gnomAD no frequency). This variant has not been reported in the literature in individuals affected with MFN2-related conditions. ClinVar contains an entry for this variant (Variation ID: 2086764). For these reasons, this variant has been classified as Pathogenic.

Literature cited by the submitters: PubMed 16714318; PubMed 16835246; PubMed 21715711; PubMed 23781337; PubMed 26955893.